The following is an entry in ClinVar:

ClinVar aggregate classification (germline): Likely benign. Review status: criteria provided, multiple submitters, no conflicts (2 of 4 stars). 4 submissions from 4 submitters: Likely benign (4). Last evaluated 2025-10-27.

Conditions:
Dilated cardiomyopathy 1G (CMD1G). Identifiers: Orphanet 154, MedGen C1858763, MONDO:0011400, OMIM 604145.
Autosomal recessive limb-girdle muscular dystrophy type 2J (LGMDR10). Also called: Limb-girdle muscular dystrophy, type 2J; MUSCULAR DYSTROPHY, LIMB-GIRDLE, AUTOSOMAL RECESSIVE 10. Identifiers: Orphanet 140922, MedGen C1837342, MONDO:0012127, OMIM 608807.
Cardiovascular phenotype. Identifiers: MedGen CN230736.

Allele frequency attached by ClinVar (database versions not stated): gnomAD below 0.00001 and 0.00001; gnomAD exomes 0.00001.
gnomAD v4.1: 12 of 1,542,484 alleles (0.00078%); highest among the groups gnomAD compares: Middle Eastern, 0.017%; no homozygotes.

Submissions (4):

Labcorp Genetics (formerly Invitae), Labcorp
Classification: Likely benign for Dilated cardiomyopathy 1G; Autosomal recessive limb-girdle muscular dystrophy type 2J. Last evaluated: 2025-10-27. Review status: criteria provided, single submitter. Criteria: Invitae Variant Classification Sherloc (09022015). Collection method: clinical testing. Allele origin: germline.

Women's Health and Genetics/Laboratory Corporation of America, LabCorp
Classification: Likely benign. Last evaluated: 2023-08-19. Review status: criteria provided, single submitter. Criteria: LabCorp Variant Classification Summary - May 2015. Collection method: clinical testing. Allele origin: germline.

Ambry Genetics
Classification: Likely benign for Cardiovascular phenotype. Last evaluated: 2020-08-03. Review status: criteria provided, single submitter. Criteria: Ambry Variant Classification Scheme 2023. Collection method: clinical testing. Allele origin: germline.

Laboratory for Molecular Medicine, Mass General Brigham Personalized Medicine
Classification: Likely benign. Last evaluated: 2013-07-18. Review status: criteria provided, single submitter. Criteria: LMM Criteria. Collection method: clinical testing. Allele origin: germline. Observed: 1 variant allele.
Comment: Pro16008Pro in exon 236 of TTN: This variant is not expected to have clinical si gnificance because it does not alter an amino acid residue and is not located wi thin the splice consensus sequence. Pro16008Pro in exon 236 of TTN (allele freq uency = n/a)

NM_001267550.2(TTN):c.55728G>A (p.Pro18576=)

Genes: TTN (titin; minus strand), TTN-AS1 (TTN antisense RNA 1; plus strand). Cytogenetic location: 2q31.2.
Variant type: single nucleotide variant.
Coding change: c.55728G>A on transcript NM_001267550.2 (MANE Select); coding-DNA position 55728, G replaced by A.
Protein change: p.Pro18576=; no amino-acid change (proline 18576 retained).
Molecular consequence: synonymous variant.
Genome position (GRCh38, 1-based): chr2:178,601,269, C>T on the plus strand (G>A on the coding strand, the complement: TTN is on the minus strand). VCF-style: chr2-178601269-C-T. GRCh37 (hg19) VCF-style: chr2-179465996-C-T.
Other names: c.48024G>A, p.Pro16008= (NM_133378.4); c.50805G>A, p.Pro16935= (NM_001256850.1); c.28533G>A, p.Pro9511= (NM_003319.4); c.28908G>A, p.Pro9636= (NM_133432.3); c.29109G>A, p.Pro9703= (NM_133437.4).
Identifiers: ClinVar variation 179000 (VCV000179000.15), dbSNP rs727504598, ClinGen allele CA183462.